The following is an entry in ClinVar:

NM_001029896.2(WDR45):c.490_493del (p.His164fs)

Gene: WDR45 (WD repeat domain 45; minus strand). Cytogenetic location: Xp11.23.
Variant type: Deletion.
Coding change: c.490_493del on transcript NM_001029896.2 (MANE Select); coding-DNA positions 490 to 493, 4 bases deleted (CACA; older notation c.490_493delCACA).
Protein change: p.His164fs; shifts the reading frame from histidine 164.
Molecular consequence: frameshift variant.
Genome position (GRCh38, 1-based): chrX:49,075,889-49,075,892, TGTG deleted on the plus strand (CACA on the coding strand, the reverse complement: WDR45 is on the minus strand); deleting any 4 consecutive bases within chrX:49,075,889-49,075,893 gives the same sequence; the c. name uses the placement nearest the transcript's 3' end. VCF-style (leftmost placement, unchanged base first): chrX-49075888-TTGTG-T. GRCh37 (hg19) VCF-style: chrX-48933547-TTGTG-T.
Other names: c.493_496del, p.His165fs (NM_007075.4); short protein forms H164fs, H165fs.
Identifiers: ClinVar variation 2811521 (VCV002811521.3), dbSNP rs2520262174, ClinGen allele CA2739273496.

ClinVar aggregate classification (germline): Pathogenic (1 of 4 stars; one submission).

Conditions:
Neurodegeneration with brain iron accumulation 5 (NBIA5). Also called: STATIC ENCEPHALOPATHY OF CHILDHOOD WITH NEURODEGENERATION IN ADULTHOOD; Beta-propeller protein-associated neurodegeneration. Identifiers: Orphanet 329284, MedGen C3550973, MONDO:0010476, OMIM 300894.

Submission:

Labcorp Genetics (formerly Invitae), Labcorp
Classification: Pathogenic for Neurodegeneration with brain iron accumulation 5. Last evaluated: 2023-08-10. Review status: criteria provided, single submitter. Criteria: Invitae Variant Classification Sherloc (09022015). Collection method: clinical testing. Allele origin: germline.
Comment: This sequence change creates a premature translational stop signal (p.His165Serfs*31) in the WDR45 gene. It is expected to result in an absent or disrupted protein product. Loss-of-function variants in WDR45 are known to be pathogenic (PMID: 23176820, 24368176, 24621584, 25744623, 26790960, 27030146, 27652284, 28554332). This variant is not present in population databases (gnomAD no frequency). This variant has not been reported in the literature in individuals affected with WDR45-related conditions. For these reasons, this variant has been classified as Pathogenic.

Literature cited by the submitters: PubMed 23176820; PubMed 24368176; PubMed 24621584; PubMed 25744623; PubMed 26790960; PubMed 27030146; PubMed 27652284; PubMed 28554332.